The following is an entry in ClinVar:

NM_001267550.2(TTN):c.13194A>C (p.Gln4398His)

Gene: TTN (titin; minus strand). Cytogenetic location: 2q31.2.
Variant type: single nucleotide variant.
Coding change: c.13194A>C on transcript NM_001267550.2 (MANE Select); coding-DNA position 13194, A replaced by C.
Protein change: p.Gln4398His; replaces glutamine 4398 with histidine.
Molecular consequence: missense variant. On other transcripts: intron variant (1).
Genome position (GRCh38, 1-based): chr2:178,740,039, T>G on the plus strand (A>C on the coding strand, the complement: TTN is on the minus strand). VCF-style: chr2-178740039-T-G. GRCh37 (hg19) VCF-style: chr2-179604766-T-G.
Other names: c.12243A>C, p.Gln4081His (NM_001256850.1); c.12105A>C, p.Gln4035His (NM_003319.4); c.12480A>C, p.Gln4160His (NM_133432.3); c.12681A>C, p.Gln4227His (NM_133437.4); c.10361-1679A>C (NM_133378.4); short protein forms Q4035H, Q4081H, Q4160H, Q4227H, Q4398H.
Identifiers: ClinVar variation 1176103 (VCV001176103.39), dbSNP rs375347596, ClinGen allele CA60983855.

ClinVar aggregate classification (germline): Uncertain significance. Review status: criteria provided, multiple submitters, no conflicts (2 of 4 stars). 3 submissions from 3 submitters: Uncertain significance (3). Last evaluated 2021-12-14.

Conditions:
Cardiovascular phenotype. Identifiers: MedGen CN230736.

gnomAD v4.1: 39 of 1,613,762 alleles (0.0024%); highest among the groups gnomAD compares: Non-Finnish European, 0.003%; no homozygotes.

Submissions (3):

Laboratorio de Genetica e Diagnostico Molecular, Hospital Israelita Albert Einstein
Classification: Uncertain significance. Last evaluated: 2021-12-14. Review status: criteria provided, single submitter. Criteria: ACMG Guidelines, 2015. Collection method: clinical testing. Allele origin: germline. Affected: yes.
Comment: ACMG classification criteria: PM2, BP4

CeGaT Center for Human Genetics Tuebingen
Classification: Uncertain significance. Last evaluated: 2021-03-01. Review status: criteria provided, single submitter. Criteria: CeGaT Center For Human Genetics Tuebingen Variant Classification Criteria Version 2. Collection method: clinical testing. Allele origin: germline. Affected: yes. Observed: 1 variant allele.

Ambry Genetics
Classification: Uncertain significance for Cardiovascular phenotype. Last evaluated: 2019-04-30. Review status: criteria provided, single submitter. Criteria: Ambry Variant Classification Scheme 2023. Collection method: clinical testing. Allele origin: germline.
Comment: The p.Q4035H variant (also known as c.12105A>C), located in coding exon 44 of the TTN gene, results from an A to C substitution at nucleotide position 12105. The glutamine at codon 4035 is replaced by histidine, an amino acid with highly similar properties. This amino acid position is highly conserved in available vertebrate species; however, histidine is the reference amino acid in other vertebrate species. In addition, this alteration is predicted to be tolerated by in silico analysis. Since supporting evidence is limited at this time, the clinical significance of this alteration remains unclear.